The following is an entry in ClinVar:

ClinVar aggregate classification (germline): Uncertain significance. Review status: criteria provided, multiple submitters, no conflicts (2 of 4 stars). 3 submissions from 3 submitters: Uncertain significance (3). Last evaluated 2025-10-03.

Conditions:
Cardiovascular phenotype. Identifiers: MedGen CN230736.
Hypertrophic cardiomyopathy 14. Identifiers: MedGen C2750467, MONDO:0013197, OMIM 613251.

Allele frequency attached by ClinVar (database versions not stated): gnomAD exomes below 0.00001 and 0.00001; gnomAD 0.00001 and 0.00002; ExAC 0.00002.
gnomAD v4.1: 3 of 1,612,874 alleles (0.00019%); highest among the groups gnomAD compares: African/African-American, 0.004%; no homozygotes.

Submissions (3):

Labcorp Genetics (formerly Invitae), Labcorp
Classification: Uncertain significance for Hypertrophic cardiomyopathy 14. Last evaluated: 2025-10-03. Review status: criteria provided, single submitter. Criteria: Invitae Variant Classification Sherloc (09022015). Collection method: clinical testing. Allele origin: germline.
Comment: This sequence change replaces lysine, which is basic and polar, with asparagine, which is neutral and polar, at codon 1394 of the MYH6 protein (p.Lys1394Asn). This variant is present in population databases (rs753160962, gnomAD 0.01%). This variant has not been reported in the literature in individuals affected with MYH6-related conditions. ClinVar contains an entry for this variant (Variation ID: 984448). Invitae Evidence Modeling of protein sequence and biophysical properties (such as structural, functional, and spatial information, amino acid conservation, physicochemical variation, residue mobility, and thermodynamic stability) indicates that this missense variant is not expected to disrupt MYH6 protein function with a negative predictive value of 80%. In summary, the available evidence is currently insufficient to determine the role of this variant in disease. Therefore, it has been classified as a Variant of Uncertain Significance.

Ambry Genetics
Classification: Uncertain significance for Cardiovascular phenotype. Last evaluated: 2025-04-30. Review status: criteria provided, single submitter. Criteria: Ambry Variant Classification Scheme 2023. Collection method: clinical testing. Allele origin: germline.
Comment: The p.K1394N variant (also known as c.4182G>C), located in coding exon 28 of the MYH6 gene, results from a G to C substitution at nucleotide position 4182. The lysine at codon 1394 is replaced by asparagine, an amino acid with similar properties. This amino acid position is highly conserved in available vertebrate species. In addition, the in silico prediction for this alteration is inconclusive. Since supporting evidence is limited at this time, the clinical significance of this alteration remains unclear.

Women's Health and Genetics/Laboratory Corporation of America, LabCorp
Classification: Uncertain significance. Last evaluated: 2020-10-19. Review status: criteria provided, single submitter. Criteria: LabCorp Variant Classification Summary - May 2015. Collection method: clinical testing. Allele origin: germline.
Comment: Variant summary: MYH6 c.4182G>C (p.Lys1394Asn) results in a non-conservative amino acid change located in the Myosin tail domain (IPR002928) of the encoded protein sequence. Five of five in-silico tools predict a damaging effect of the variant on protein function. The variant allele was found at a frequency of 8e-06 in 251150 control chromosomes (gnomAD). The available data on variant occurrences in the general population are insufficient to allow any conclusion about variant significance. To our knowledge, no occurrence of c.4182G>C in individuals affected with Cardiomyopathy and no experimental evidence demonstrating its impact on protein function have been reported. A co-occurrence with a pathogenic variant has been reported (MYBPC3 c.3330+5G>C; Internal testing). No clinical diagnostic laboratories have submitted clinical-significance assessments for this variant to ClinVar after 2014. Based on the evidence outlined above, the variant was classified as uncertain significance.

NM_002471.4(MYH6):c.4182G>C (p.Lys1394Asn)

Gene: MYH6 (myosin heavy chain 6; minus strand). Cytogenetic location: 14q11.2.
Variant type: single nucleotide variant.
Coding change: c.4182G>C on transcript NM_002471.4 (MANE Select); coding-DNA position 4182, G replaced by C.
Protein change: p.Lys1394Asn; replaces lysine 1394 with asparagine.
Molecular consequence: missense variant.
Genome position (GRCh38, 1-based): chr14:23,388,332, C>G on the plus strand (G>C on the coding strand, the complement: MYH6 is on the minus strand). VCF-style: chr14-23388332-C-G. GRCh37 (hg19) VCF-style: chr14-23857541-C-G.
Other names: short protein forms K1394N.
Identifiers: ClinVar variation 984448 (VCV000984448.11), dbSNP rs753160962, ClinGen allele CA7114848.